The following is an entry in ClinVar:

ClinVar aggregate classification (germline): Uncertain significance. Review status: criteria provided, multiple submitters, no conflicts (2 of 4 stars). 3 submissions from 3 submitters: Uncertain significance (3). Last evaluated 2025-12-05.

Conditions:
Hereditary pheochromocytoma and paraganglioma. Also called: Hereditary Paraganglioma-Pheochromocytoma Syndromes; Hereditary paragangliomas and pheochromocytomas; Hereditary pheochromocytoma-paraganglioma. Identifiers: Orphanet 29072, MedGen C4274332, MONDO:0017366.
Hereditary cancer-predisposing syndrome. Also called: Neoplastic Syndromes, Hereditary; Hereditary Cancer Syndrome; Tumor predisposition; Hereditary neoplastic syndrome. Identifiers: Orphanet 140162, MedGen C0027672, MeSH D009386, MONDO:0015356.
Pheochromocytoma/paraganglioma syndrome 2. Also called: GLOMUS TUMORS, FAMILIAL, 2; Paragangliomas 2; SDHAF2-Related Hereditary Paraganglioma-Pheochromocytoma Syndrome (Paragangliomas 2); SDHAF2-Related Hereditary Paraganglioma-Pheochromocytoma Syndrome. Identifiers: Orphanet 29072, MedGen C1866552, MONDO:0011121, OMIM 601650.

Allele frequency attached by ClinVar (database versions not stated): gnomAD below 0.00001 and 0.00003; ExAC 0.00004; gnomAD exomes 0.00006.
gnomAD v4.1: 34 of 1,596,320 alleles (0.0021%); highest among the groups gnomAD compares: South Asian, 0.034%; no homozygotes.

Submissions (3):

Labcorp Genetics (formerly Invitae), Labcorp
Classification: Uncertain significance for Hereditary pheochromocytoma and paraganglioma. Last evaluated: 2025-12-05. Review status: criteria provided, single submitter. Criteria: Invitae Variant Classification Sherloc (09022015). Collection method: clinical testing. Allele origin: germline.
Comment: This sequence change falls in intron 3 of the SDHAF2 gene. It does not directly change the encoded amino acid sequence of the SDHAF2 protein. It affects a nucleotide within the consensus splice site. This variant is present in population databases (rs758935566, gnomAD 0.05%). This variant has not been reported in the literature in individuals affected with SDHAF2-related conditions. ClinVar contains an entry for this variant (Variation ID: 639954). Variants that disrupt the consensus splice site are a relatively common cause of aberrant splicing (PMID: 17576681, 9536098). Studies have shown that this variant is associated with inconclusive levels of altered splicing (internal data). In summary, the available evidence is currently insufficient to determine the role of this variant in disease. Therefore, it has been classified as a Variant of Uncertain Significance.

Ambry Genetics
Classification: Uncertain significance for Hereditary cancer-predisposing syndrome. Last evaluated: 2025-02-26. Review status: criteria provided, single submitter. Criteria: Ambry Variant Classification Scheme 2023. Collection method: clinical testing. Allele origin: germline.
Comment: The c.370+4C>G intronic variant results from a C to G substitution 4 nucleotides after coding exon 3 in the SDHAF2 gene. This nucleotide position is not well conserved in available vertebrate species. In silico splice site analysis for this alteration is inconclusive. RNA studies have demonstrated that this alteration results in a splice defect; the clinical impact of this abnormal splicing is unknown at this time (Ambry internal data).Since supporting evidence is limited at this time, the clinical significance of this alteration remains unclear.

Fulgent Genetics
Classification: Uncertain significance for Pheochromocytoma/paraganglioma syndrome 2. Last evaluated: 2022-05-24. Review status: criteria provided, single submitter. Criteria: ACMG Guidelines, 2015. Collection method: clinical testing. Allele origin: unknown.

Literature cited by the submitters: PubMed 17576681 (cited by Labcorp Genetics (formerly Invitae), Labcorp); PubMed 9536098 (cited by Labcorp Genetics (formerly Invitae), Labcorp).

NM_017841.4(SDHAF2):c.370+4C>G

Gene: SDHAF2 (succinate dehydrogenase complex assembly factor 2; plus strand). Cytogenetic location: 11q12.2.
Variant type: single nucleotide variant.
Coding change: c.370+4C>G on transcript NM_017841.4 (MANE Select); 4 bases into the intron after coding-DNA position 370, C replaced by G.
Molecular consequence: intron variant.
Genome position (GRCh38, 1-based): chr11:61,438,117, C>G. VCF-style: chr11-61438117-C-G. GRCh37 (hg19) VCF-style: chr11-61205589-C-G.
Identifiers: ClinVar variation 639954 (VCV000639954.12), dbSNP rs758935566, ClinGen allele CA058847.